The following is an entry in ClinVar:

NM_020821.3(VPS13C):c.5489T>C (p.Ile1830Thr)

Gene: VPS13C (vacuolar protein sorting 13 homolog C; minus strand). Cytogenetic location: 15q22.2.
Variant type: single nucleotide variant.
Coding change: c.5489T>C on transcript NM_020821.3 (MANE Select); coding-DNA position 5489, T replaced by C.
Protein change: p.Ile1830Thr; replaces isoleucine 1830 with threonine.
Molecular consequence: missense variant.
Genome position (GRCh38, 1-based): chr15:61,940,759, A>G on the plus strand (T>C on the coding strand, the complement: VPS13C is on the minus strand). VCF-style: chr15-61940759-A-G. GRCh37 (hg19) VCF-style: chr15-62232958-A-G.
Other names: c.5489T>C, p.Ile1830Thr (NM_001018088.3); c.5360T>C, p.Ile1787Thr (NM_017684.5, NM_018080.4); short protein forms I1787T, I1830T.
Identifiers: ClinVar variation 2057311 (VCV002057311.2), dbSNP rs143258929, ClinGen allele CA7595820.

ClinVar aggregate classification (germline): Uncertain significance (1 of 4 stars; one submission).

Allele frequency attached by ClinVar (database versions not stated): gnomAD 0.00007; TOPMed 0.00012; ExAC 0.00019.
gnomAD v4.1: 99 of 1,613,456 alleles (0.0061%); highest among the groups gnomAD compares: Admixed American, 0.085%; no homozygotes.

Submission:

Labcorp Genetics (formerly Invitae), Labcorp
Classification: Uncertain significance. Last evaluated: 2022-05-20. Review status: criteria provided, single submitter. Criteria: Invitae Variant Classification Sherloc (09022015). Collection method: clinical testing. Allele origin: germline.
Comment: This sequence change replaces isoleucine, which is neutral and non-polar, with threonine, which is neutral and polar, at codon 1830 of the VPS13C protein (p.Ile1830Thr). In summary, the available evidence is currently insufficient to determine the role of this variant in disease. Therefore, it has been classified as a Variant of Uncertain Significance. Algorithms developed to predict the effect of missense changes on protein structure and function output the following: SIFT: "Tolerated"; PolyPhen-2: "Benign"; Align-GVGD: "Class C0". The threonine amino acid residue is found in multiple mammalian species, which suggests that this missense change does not adversely affect protein function. This variant has not been reported in the literature in individuals affected with VPS13C-related conditions. This variant is present in population databases (rs143258929, gnomAD 0.1%).